The following is an entry in ClinVar:

ClinVar aggregate classification (germline): Benign/Likely benign. Review status: criteria provided, multiple submitters, no conflicts (2 of 4 stars). 7 submissions from 7 submitters: Benign (6); Likely benign (1). Last evaluated 2026-02-04.

Conditions:
Primary ciliary dyskinesia. Also called: Ciliary dyskinesia. Identifiers: Orphanet 244, MedGen C0008780, MONDO:0016575, HP:0012265.

Allele frequency attached by ClinVar (database versions not stated): 1000 Genomes Project 30x 0.07933; 1000 Genomes Project 0.07967; gnomAD 0.10468 and 0.10603; TOPMed 0.10524; gnomAD exomes 0.11644 and 0.14451; ExAC 0.11824; ESP Exome Variant Server 0.11837.
gnomAD v4.1: 226,324 of 1,610,006 alleles (14%); highest among the groups gnomAD compares: Middle Eastern, 17%; 17,377 homozygotes.

Submissions (9):

Labcorp Genetics (formerly Invitae), Labcorp
Classification: Benign for Primary ciliary dyskinesia. Last evaluated: 2026-02-04. Review status: criteria provided, single submitter. Criteria: Invitae Variant Classification Sherloc (09022015). Collection method: clinical testing. Allele origin: germline.

Blueprint Genetics
Classification: Benign. Last evaluated: 2024-11-27. Review status: criteria provided, single submitter. Criteria: ACMG Guidelines, 2015. Collection method: clinical testing. Allele origin: germline.

Mayo Clinic Laboratories, Mayo Clinic
Classification: Benign. Last evaluated: 2022-04-26. Review status: criteria provided, single submitter. Criteria: ACMG Guidelines, 2015. Collection method: clinical testing. Allele origin: germline. Observed: 47 variant alleles.

GeneDx
Classification: Benign. Last evaluated: 2018-11-10. Review status: criteria provided, single submitter. Criteria: GeneDx Variant Classification Process June 2021. Collection method: clinical testing. Allele origin: germline. Affected: yes.

Laboratory for Molecular Medicine, Mass General Brigham Personalized Medicine
Classification: Benign. Last evaluated: 2013-02-21. Review status: criteria provided, single submitter. Criteria: LMM Criteria. Collection method: clinical testing. Allele origin: germline. Observed: 31 variant alleles.
Comment: 3256-10C>G in intron 16 of DNAH11: This variant is not expected to have clinical significance because it has been identified in 15.9% (1304/8180) of European Am erican chromosomes from a broad population by the NHLBI Exome Sequencing Project (dbSNP rs17745898).

Breakthrough Genomics
Classification: Likely benign. Review status: criteria provided, single submitter. Criteria: ACMG Guidelines, 2015. Collection method: not provided. Allele origin: germline. Inheritance: Autosomal recessive inheritance. Affected: yes.

PreventionGenetics, part of Exact Sciences
Classification: Benign. Review status: criteria provided, single submitter. Criteria: ACMG Guidelines, 2015. Collection method: clinical testing. Allele origin: germline.

Dr. Peter K. Rogan Lab, Western University
No classification provided (evidence only). Condition: Uterine carcinosarcoma. Review status: no classification provided. Collection method: in vitro. Allele origin: not applicable. Functional consequence: retained intron. Not counted in ClinVar's aggregate classification.

Dr. Peter K. Rogan Lab, Western University
No classification provided (evidence only). Condition: Uterine carcinosarcoma. Review status: no classification provided. Collection method: in vitro. Allele origin: not applicable. Functional consequence: retained intron. Not counted in ClinVar's aggregate classification.

NM_001277115.2(DNAH11):c.3256-10C>G

Genes: DNAH11 (dynein axonemal heavy chain 11; plus strand), LOC126859961 (BRD4-independent group 4 enhancer GRCh37_chr7:21639662-21640861; plus strand). Cytogenetic location: 7p15.3.
Variant type: single nucleotide variant.
Coding change: c.3256-10C>G on transcript NM_001277115.2 (MANE Select); 10 bases into the intron before coding-DNA position 3256, C replaced by G.
Molecular consequence: intron variant.
Genome position (GRCh38, 1-based): chr7:21,601,000, C>G. VCF-style: chr7-21601000-C-G. GRCh37 (hg19) VCF-style: chr7-21640618-C-G.
Other names: p.?.
Identifiers: ClinVar variation 163101 (VCV000163101.26), dbSNP rs17745898, ClinGen allele CA175714.